The following is an entry in ClinVar:

ClinVar aggregate classification (germline): Uncertain significance. Review status: criteria provided, multiple submitters, no conflicts (2 of 4 stars). 2 submissions from 2 submitters: Uncertain significance (2). Last evaluated 2025-05-09.

Conditions:
Inborn genetic diseases. Identifiers: MedGen C0950123, MeSH D030342.

gnomAD v4.1: 2 of 1,614,208 alleles (0.00012%); no homozygotes.

Submissions (2):

Labcorp Genetics (formerly Invitae), Labcorp
Classification: Uncertain significance. Last evaluated: 2025-05-09. Review status: criteria provided, single submitter. Criteria: Invitae Variant Classification Sherloc (09022015). Collection method: clinical testing. Allele origin: germline.
Comment: This sequence change replaces asparagine, which is neutral and polar, with histidine, which is basic and polar, at codon 85 of the ANG protein (p.Asn85His). This variant is not present in population databases (gnomAD no frequency). This variant has not been reported in the literature in individuals affected with ANG-related conditions. ClinVar contains an entry for this variant (Variation ID: 2253962). An algorithm developed to predict the effect of missense changes on protein structure and function (PolyPhen-2) suggests that this variant is likely to be disruptive. In summary, the available evidence is currently insufficient to determine the role of this variant in disease. Therefore, it has been classified as a Variant of Uncertain Significance.

Ambry Genetics
Classification: Uncertain significance for Inborn genetic diseases. Last evaluated: 2021-10-06. Review status: criteria provided, single submitter. Criteria: Ambry Variant Classification Scheme 2023. Collection method: clinical testing. Allele origin: germline.

NM_001097577.3(ANG):c.253A>C (p.Asn85His)

Genes: EGILA (EGFR interacting lncRNA; minus strand), RNASE4 (ribonuclease A family member 4; plus strand), ANG (angiogenin; plus strand). Cytogenetic location: 14q11.2.
Variant type: single nucleotide variant.
Coding change: c.253A>C on transcript NM_001097577.3 (MANE Select); coding-DNA position 253, A replaced by C.
Protein change: p.Asn85His; replaces asparagine 85 with histidine.
Molecular consequence: missense variant. On other transcripts: intron variant (4).
Genome position (GRCh38, 1-based): chr14:20,693,817, A>C. VCF-style: chr14-20693817-A-C. GRCh37 (hg19) VCF-style: chr14-21161976-A-C.
Other names: c.253A>C, p.Asn85His (NM_001145.4, NM_001385271.1, NM_001385272.1 and 2 more transcripts); c.-18+167A>C (NM_001282192.2); c.-17-5538A>C (NM_002937.5, NM_001282193.2); c.-18+4943A>C (NM_194431.3); short protein forms N85H.
Identifiers: ClinVar variation 2253962 (VCV002253962.3), dbSNP rs1566602553, ClinGen allele CA389115504.